The following is an entry in ClinVar:

ClinVar aggregate classification (germline): Likely pathogenic. Review status: criteria provided, multiple submitters, no conflicts (2 of 4 stars). 2 submissions from 2 submitters: Likely pathogenic (2). Last evaluated 2020-11-11.

Conditions:
Congenital heart defects and skeletal malformations syndrome. Identifiers: Orphanet 643503, MedGen C4539857, MONDO:0060532, OMIM 617602.

Submissions (2):

Daryl Scott Lab, Baylor College of Medicine
Classification: Likely pathogenic for Congenital heart defects and skeletal malformations syndrome. Last evaluated: 2020-11-11. Review status: criteria provided, single submitter. Criteria: ACMG Guidelines, 2015. Collection method: clinical testing. Allele origin: de novo. Affected: yes. Observed: 1 variant allele.

Baylor Genetics
Classification: Likely pathogenic for Congenital heart defects and skeletal malformations syndrome. Last evaluated: 2019-01-20. Review status: criteria provided, single submitter. Criteria: ACMG Guidelines, 2015. Collection method: clinical testing. Allele origin: de novo. Affected: yes.
Comment: This variant was determined to be likely pathogenic according to ACMG Guidelines, 2015 [PMID:25741868].

Literature cited by the submitters: PubMed 33461977 (cited by Daryl Scott Lab, Baylor College of Medicine).

NM_005157.6(ABL1):c.295T>C (p.Trp99Arg)

Gene: ABL1 (ABL proto-oncogene 1, non-receptor tyrosine kinase; plus strand). Cytogenetic location: 9q34.12.
Variant type: single nucleotide variant.
Coding change: c.295T>C on transcript NM_005157.6 (MANE Select); coding-DNA position 295, T replaced by C.
Protein change: p.Trp99Arg; replaces tryptophan 99 with arginine.
Molecular consequence: missense variant.
Genome position (GRCh38, 1-based): chr9:130,854,842, T>C. VCF-style: chr9-130854842-T-C. GRCh37 (hg19) VCF-style: chr9-133730229-T-C.
Other names: c.352T>C, p.Trp118Arg (NM_007313.3); short protein forms W118R, W99R.
Identifiers: ClinVar variation 987880 (VCV000987880.2), dbSNP rs1830947813, ClinGen allele CA375257804.